The following is an entry in ClinVar:

NM_004130.4(GYG1):c.647G>A (p.Arg216Gln)

Gene: GYG1 (glycogenin 1; plus strand). Cytogenetic location: 3q24.
Variant type: single nucleotide variant.
Coding change: c.647G>A on transcript NM_004130.4 (MANE Select); coding-DNA position 647, G replaced by A.
Protein change: p.Arg216Gln; replaces arginine 216 with glutamine.
Molecular consequence: missense variant. On other transcripts: intron variant (1).
Genome position (GRCh38, 1-based): chr3:149,024,091, G>A. VCF-style: chr3-149024091-G-A. GRCh37 (hg19) VCF-style: chr3-148741878-G-A.
Other names: c.647G>A, p.Arg216Gln (NM_001184720.2); c.609-2669G>A (NM_001184721.2); c.647G>A (NM_004130.3); short protein forms R216Q.
Identifiers: ClinVar variation 1489560 (VCV001489560.7), dbSNP rs1035133767, ClinGen allele CA85517802.
Genomic context (GRCh38, chr3:149,024,091, plus strand): 5'-TCAACTTGCGTTCACTTGGCAGGTTTGGTGCAAGTGCCAAAGTTGTGCATTTCCTGGGAC[G>A]AGTCAAACCATGGAATTATACTTATGATCCCAAAACAAAAAGTGTCAAAAGTGAGGCCCA-3'
Protein context (NP_004121.2, residues 206-226): ASAKVVHFLG[Arg216Gln]VKPWNYTYDP

ClinVar aggregate classification (germline): Uncertain significance. Review status: criteria provided, multiple submitters, no conflicts (2 of 4 stars). 2 submissions from 2 submitters: Uncertain significance (2). Last evaluated 2022-07-13.

Conditions:
Inborn genetic diseases. Identifiers: MedGen C0950123, MeSH D030342.
Polyglucosan body myopathy type 2. Identifiers: Orphanet 456369, MedGen C4015452, MONDO:0014526, OMIM 616199.
Glycogen storage disease XV (GSD15). Also called: GLYCOGENIN DEFICIENCY; GSD XV. Identifiers: Orphanet 263297, MedGen C3150754, MONDO:0013291, OMIM 613507.

Allele frequency attached by ClinVar (database versions not stated): gnomAD exomes below 0.00001; TOPMed 0.00001.
gnomAD v4.1: 5 of 1,614,134 alleles (0.00031%); highest among the groups gnomAD compares: African/African-American, 0.0027%; no homozygotes.

Submissions (2):

Ambry Genetics
Classification: Uncertain significance for Inborn genetic diseases. Last evaluated: 2022-07-13. Review status: criteria provided, single submitter. Criteria: Ambry Variant Classification Scheme 2023. Collection method: clinical testing. Allele origin: germline.

Labcorp Genetics (formerly Invitae), Labcorp
Classification: Uncertain significance for Polyglucosan body myopathy type 2; Glycogen storage disease XV. Last evaluated: 2021-09-26. Review status: criteria provided, single submitter. Criteria: Invitae Variant Classification Sherloc (09022015). Collection method: clinical testing. Allele origin: germline.
Comment: This sequence change replaces arginine with glutamine at codon 216 of the GYG1 protein (p.Arg216Gln). The arginine residue is moderately conserved and there is a small physicochemical difference between arginine and glutamine. In summary, the available evidence is currently insufficient to determine the role of this variant in disease. Therefore, it has been classified as a Variant of Uncertain Significance. Algorithms developed to predict the effect of missense changes on protein structure and function output the following: SIFT: "Tolerated"; PolyPhen-2: "Benign"; Align-GVGD: "Class C0". The glutamine amino acid residue is found in multiple mammalian species, which suggests that this missense change does not adversely affect protein function. This variant has not been reported in the literature in individuals affected with GYG1-related conditions. This variant is not present in population databases (ExAC no frequency).